The following is an entry in ClinVar:

ClinVar aggregate classification (germline): Uncertain significance (1 of 4 stars; one submission).

Conditions:
Immunodeficiency, common variable, 7. Identifiers: Orphanet 1572, Orphanet 696894, MedGen C3542922, MONDO:0013862, OMIM 614699.

Allele frequency attached by ClinVar (database versions not stated): gnomAD exomes below 0.00001.
gnomAD v4.1: 1 of 1,614,110 alleles (0.000062%); highest among the groups gnomAD compares: South Asian, 0.0011%; no homozygotes.

Submission:

Labcorp Genetics (formerly Invitae), Labcorp
Classification: Uncertain significance for Immunodeficiency, common variable, 7. Last evaluated: 2022-08-29. Review status: criteria provided, single submitter. Criteria: Invitae Variant Classification Sherloc (09022015). Collection method: clinical testing. Allele origin: germline.
Comment: In summary, the available evidence is currently insufficient to determine the role of this variant in disease. Therefore, it has been classified as a Variant of Uncertain Significance. Algorithms developed to predict the effect of missense changes on protein structure and function (SIFT, PolyPhen-2, Align-GVGD) all suggest that this variant is likely to be disruptive. This variant has not been reported in the literature in individuals affected with CR2-related conditions. This variant is not present in population databases (gnomAD no frequency). This sequence change replaces cysteine, which is neutral and slightly polar, with arginine, which is basic and polar, at codon 65 of the CR2 protein (p.Cys65Arg).

NM_001006658.3(CR2):c.193T>C (p.Cys65Arg)

Gene: CR2 (complement C3d receptor 2; plus strand). Cytogenetic location: 1q32.2.
Variant type: single nucleotide variant.
Coding change: c.193T>C on transcript NM_001006658.3 (MANE Select); coding-DNA position 193, T replaced by C.
Protein change: p.Cys65Arg; replaces cysteine 65 with arginine.
Molecular consequence: missense variant.
Genome position (GRCh38, 1-based): chr1:207,466,660, T>C. VCF-style: chr1-207466660-T-C. GRCh37 (hg19) VCF-style: chr1-207640005-T-C.
Other names: c.193T>C, p.Cys65Arg (NM_001877.5); short protein forms C65R.
Identifiers: ClinVar variation 1718298 (VCV001718298.5), dbSNP rs2527206081, ClinGen allele CA344522929.